The following is an entry in ClinVar:

NM_004963.4(GUCY2C):c.2386C>T (p.Leu796Phe)

Gene: GUCY2C (guanylate cyclase 2C; minus strand). Cytogenetic location: 12p12.3.
Variant type: single nucleotide variant.
Coding change: c.2386C>T on transcript NM_004963.4 (MANE Select); coding-DNA position 2386, C replaced by T.
Protein change: p.Leu796Phe; replaces leucine 796 with phenylalanine.
Molecular consequence: missense variant.
Genome position (GRCh38, 1-based): chr12:14,625,779, G>A on the plus strand (C>T on the coding strand, the complement: GUCY2C is on the minus strand). VCF-style: chr12-14625779-G-A. GRCh37 (hg19) VCF-style: chr12-14778713-G-A.
Other names: short protein forms L796F.
Identifiers: ClinVar variation 3357994 (VCV003357994.1).

ClinVar aggregate classification (germline): Uncertain significance (0 of 4 stars; one submission).

Conditions:
GUCY2C-related disorder. Also called: GUCY2C-related condition.

Submission:

PreventionGenetics, part of Exact Sciences
Classification: Uncertain significance for GUCY2C-related condition. Last evaluated: 2024-09-08. Review status: no assertion criteria provided. Collection method: clinical testing. Allele origin: germline.
Comment: The GUCY2C c.2386C>T variant is predicted to result in the amino acid substitution p.Leu796Phe. To our knowledge, this variant has not been reported in the literature or in a large population database, indicating this variant is rare. At this time, the clinical significance of this variant is uncertain due to the absence of conclusive functional and genetic evidence.